The following is an entry in ClinVar:

ClinVar aggregate classification (germline): Uncertain significance (1 of 4 stars; one submission).

Allele frequency attached by ClinVar (database versions not stated): gnomAD exomes below 0.00001; TOPMed below 0.00001.
gnomAD v4.1: 2 of 1,557,118 alleles (0.00013%); highest among the groups gnomAD compares: Admixed American, 0.0039%; no homozygotes.

Submission:

Labcorp Genetics (formerly Invitae), Labcorp
Classification: Uncertain significance. Last evaluated: 2022-06-10. Review status: criteria provided, single submitter. Criteria: Invitae Variant Classification Sherloc (09022015). Collection method: clinical testing. Allele origin: germline.
Comment: This variant has not been reported in the literature in individuals affected with FUK-related conditions. This variant is present in population databases (rs754026874, gnomAD 0.008%). This sequence change replaces glycine, which is neutral and non-polar, with arginine, which is basic and polar, at codon 676 of the FUK protein (p.Gly676Arg). Algorithms developed to predict the effect of missense changes on protein structure and function are either unavailable or do not agree on the potential impact of this missense change (SIFT: "Deleterious"; PolyPhen-2: "Possibly Damaging"; Align-GVGD: "Class C0"). In summary, the available evidence is currently insufficient to determine the role of this variant in disease. Therefore, it has been classified as a Variant of Uncertain Significance.

NM_145059.3(FCSK):c.2026G>A (p.Gly676Arg)

Gene: FCSK (fucose kinase; plus strand). Cytogenetic location: 16q22.1.
Variant type: single nucleotide variant.
Coding change: c.2026G>A on transcript NM_145059.3 (MANE Select); coding-DNA position 2026, G replaced by A.
Protein change: p.Gly676Arg; replaces glycine 676 with arginine.
Molecular consequence: missense variant.
Genome position (GRCh38, 1-based): chr16:70,474,565, G>A. VCF-style: chr16-70474565-G-A. GRCh37 (hg19) VCF-style: chr16-70508468-G-A.
Other names: short protein forms G676R.
Identifiers: ClinVar variation 1950622 (VCV001950622.5), dbSNP rs754026874, ClinGen allele CA8143479.